The following is an entry in ClinVar:

NM_020549.5(CHAT):c.86G>A (p.Arg29Lys)

Gene: CHAT (choline O-acetyltransferase; plus strand). Cytogenetic location: 10q11.23.
Variant type: single nucleotide variant.
Coding change: c.86G>A on transcript NM_020549.5 (MANE Select); coding-DNA position 86, G replaced by A.
Protein change: p.Arg29Lys; replaces arginine 29 with lysine.
Molecular consequence: missense variant. On other transcripts: 5 prime UTR variant (3), intron variant (3).
Genome position (GRCh38, 1-based): chr10:49,614,275, G>A. VCF-style: chr10-49614275-G-A. GRCh37 (hg19) VCF-style: chr10-50822321-G-A.
Other names: c.-269G>A (NM_001142929.2); c.-231G>A (NM_001142933.2); c.-339G>A (NM_001142934.2); c.-68-2227G>A (NM_020984.4); c.-240-29G>A (NM_020985.4); c.-69+1073G>A (NM_020986.4); short protein forms R29K.
Identifiers: ClinVar variation 1043323 (VCV001043323.6), dbSNP rs1838390973, ClinGen allele CA376724825.

ClinVar aggregate classification (germline): Uncertain significance (1 of 4 stars; one submission).

Conditions:
Familial infantile myasthenia (CMS6). Also called: Congenital myasthenic syndrome type 6; MYASTHENIC SYNDROME, CONGENITAL, 6, PRESYNAPTIC; MYASTHENIC SYNDROME, PRESYNAPTIC, CONGENITAL, ASSOCIATED WITH EPISODIC APNEA. Identifiers: Orphanet 590, MedGen C0393929, MONDO:0009689, OMIM 254210.

Allele frequency attached by ClinVar (database versions not stated): TOPMed 0.00001.

Submission:

Labcorp Genetics (formerly Invitae), Labcorp
Classification: Uncertain significance for Familial infantile myasthenia. Last evaluated: 2020-07-30. Review status: criteria provided, single submitter. Criteria: Invitae Variant Classification Sherloc (09022015). Collection method: clinical testing. Allele origin: germline.
Comment: In summary, the available evidence is currently insufficient to determine the role of this variant in disease. Therefore, it has been classified as a Variant of Uncertain Significance. Advanced modeling of protein sequence and biophysical properties (such as structural, functional, and spatial information, amino acid conservation, physicochemical variation, residue mobility, and thermodynamic stability) performed at Invitae indicates that this missense variant is not expected to disrupt CHAT protein function. This sequence change replaces arginine with lysine at codon 29 of the CHAT protein (p.Arg29Lys). The arginine residue is weakly conserved and there is a small physicochemical difference between arginine and lysine. This variant is not present in population databases (ExAC no frequency). This variant has not been reported in the literature in individuals with CHAT-related conditions.